The following is an entry in ClinVar:

NM_016373.4(WWOX):c.730C>T (p.Gln244Ter)

Gene: WWOX (WW domain containing oxidoreductase; plus strand). Cytogenetic location: 16q23.1.
Variant type: single nucleotide variant.
Coding change: c.730C>T on transcript NM_016373.4 (MANE Select); coding-DNA position 730, C replaced by T.
Protein change: p.Gln244Ter; replaces glutamine 244 with a stop codon.
Molecular consequence: nonsense.
Genome position (GRCh38, 1-based): chr16:78,424,994, C>T. VCF-style: chr16-78424994-C-T. GRCh37 (hg19) VCF-style: chr16-78458891-C-T.
Other names: c.391C>T, p.Gln131Ter (NM_001291997.2); short protein forms Q244*, Q131*.
Identifiers: ClinVar variation 1033412 (VCV001033412.3), dbSNP rs752354290, ClinGen allele CA396842903.

ClinVar aggregate classification (germline): Pathogenic/Likely pathogenic. Review status: criteria provided, multiple submitters, no conflicts (2 of 4 stars). 2 submissions from 2 submitters: Pathogenic (1); Likely pathogenic (1). Last evaluated 2023-06-30.

Conditions:
Developmental and epileptic encephalopathy, 28 (DEE28). Also called: Epileptic encephalopathy, early infantile, 28. Identifiers: Orphanet 442835, MedGen C4015519, MONDO:0014533, OMIM 616211.

gnomAD v4.1: 1 of 1,614,146 alleles (0.000062%); highest among the groups gnomAD compares: Middle Eastern, 0.017%; no homozygotes.

Submissions (2):

Revvity Omics, Revvity
Classification: Likely pathogenic. Last evaluated: 2023-06-30. Review status: criteria provided, single submitter. Criteria: ACMG Guidelines, 2015. Collection method: clinical testing. Allele origin: germline.

Baylor Genetics
Classification: Pathogenic for Developmental and epileptic encephalopathy, 28. Last evaluated: 2018-07-13. Review status: criteria provided, single submitter. Criteria: ACMG Guidelines, 2015. Collection method: clinical testing. Allele origin: paternal. Affected: yes.
Comment: This variant was determined to be pathogenic according to ACMG Guidelines, 2015 [PMID:25741868].